The following is an entry in ClinVar:

ClinVar aggregate classification (germline): Uncertain significance (1 of 4 stars; one submission).

Conditions:
Hereditary cancer-predisposing syndrome. Also called: Hereditary Cancer Syndrome; Hereditary neoplastic syndrome; Neoplastic Syndromes, Hereditary; Tumor predisposition. Identifiers: Orphanet 140162, MedGen C0027672, MeSH D009386, MONDO:0015356.
Familial thoracic aortic aneurysm and aortic dissection (TAAD). Also called: Thoracic aortic aneurysms and dissections. Identifiers: Orphanet 91387, MedGen C4707243, MONDO:0019625.

Submission:

Ambry Genetics
Classification: Uncertain significance for Hereditary cancer-predisposing syndrome; Familial thoracic aortic aneurysm and aortic dissection. Last evaluated: 2021-02-12. Review status: criteria provided, single submitter. Criteria: Ambry Variant Classification Scheme 2023. Collection method: clinical testing. Allele origin: germline.
Comment: The p.S144A variant (also known as c.430T>G), located in coding exon 3 of the SMAD4 gene, results from a T to G substitution at nucleotide position 430. The serine at codon 144 is replaced by alanine, an amino acid with similar properties. This amino acid position is highly conserved in available vertebrate species. In addition, the in silico prediction for this alteration is inconclusive. Since supporting evidence is limited at this time, the clinical significance of this alteration remains unclear.

NM_005359.6(SMAD4):c.430T>G (p.Ser144Ala)

Gene: SMAD4 (SMAD family member 4; plus strand). Cytogenetic location: 18q21.2.
Variant type: single nucleotide variant.
Coding change: c.430T>G on transcript NM_005359.6 (MANE Select); coding-DNA position 430, T replaced by G.
Protein change: p.Ser144Ala; replaces serine 144 with alanine.
Molecular consequence: missense variant.
Genome position (GRCh38, 1-based): chr18:51,049,300, T>G. VCF-style: chr18-51049300-T-G. GRCh37 (hg19) VCF-style: chr18-48575670-T-G.
Other names: c.430T>G, p.Ser144Ala (NM_001407041.1, NM_001407042.1, NM_001407043.1); short protein forms S144A.
Identifiers: ClinVar variation 1739632 (VCV001739632.2), dbSNP rs2144407546, ClinGen allele CA402459054.
Genomic context (GRCh38, chr18:51,049,300, plus strand): 5'-ATACTTTCATTGTAATGATTAATGTTTCATTTGTTTTCCCCTTTAAACAATTAAGATCTC[T>G]CAGGATTAACACTGCAGAGTAATGGTAGGTAATCTGTTTCTTACTACTTTCTCTTTGTTT-3'
Protein context (NP_005350.1, residues 134-154): ERVVSPGIDL[Ser144Ala]GLTLQSNAPS